The following is an entry in ClinVar:

ClinVar aggregate classification (germline): Uncertain significance. Review status: criteria provided, multiple submitters, no conflicts (2 of 4 stars). 2 submissions from 2 submitters: Uncertain significance (2). Last evaluated 2025-09-11.

Conditions:
Hereditary cancer-predisposing syndrome. Also called: Tumor predisposition; Neoplastic Syndromes, Hereditary; Hereditary neoplastic syndrome; Hereditary Cancer Syndrome. Identifiers: Orphanet 140162, MedGen C0027672, MeSH D009386, MONDO:0015356.

Submissions (2):

Ambry Genetics
Classification: Uncertain significance for Hereditary cancer-predisposing syndrome. Last evaluated: 2025-09-11. Review status: criteria provided, single submitter. Criteria: Ambry Variant Classification Scheme 2023. Collection method: clinical testing. Allele origin: germline.
Comment: The c.7849_7857delGTCAGAAGTins21 variant (also known as p.V2617_R2618delinsRSPLSA), located in coding exon 52 of the ATM gene, results from an in-frame deletion of GTCAGAAGT and insertion of AGGTCTCCTTTGAGTGCCTCA at nucleotide positions 7849 to 7857. This results in the substitution of V and R residues for RSPLSA residues at codons 2617 and 2618.This amino acid region is well conserved in available vertebrate species. Based on the available evidence, the clinical significance of this variant remains unclear.

Color Diagnostics, LLC DBA Color Health
Classification: Uncertain significance for Hereditary cancer-predisposing syndrome. Last evaluated: 2018-11-11. Review status: criteria provided, single submitter. Criteria: ACMG Guidelines, 2015. Collection method: clinical testing. Allele origin: germline.

NM_000051.4(ATM):c.7849_7857delinsAGGTCTCCTTTGAGTGCCTCA (p.Val2617_Arg2618delinsArgSerProLeuSerAla)

Genes: ATM (ATM serine/threonine kinase; plus strand), C11orf65 (chromosome 11 open reading frame 65; minus strand). Cytogenetic location: 11q22.3.
Variant type: Indel.
Coding change: c.7849_7857delinsAGGTCTCCTTTGAGTGCCTCA on transcript NM_000051.4 (MANE Select); coding-DNA positions 7849 to 7857, GTCAGAAGT replaced by AGGTCTCCTTTGAGTGCCTCA.
Protein change: p.Val2617_Arg2618delinsArgSerProLeuSerAla.
Molecular consequence: inframe indel. On other transcripts: intron variant (2).
Genome position (GRCh38, 1-based): chr11:108,332,822-108,332,830, GTCAGAAGT replaced by AGGTCTCCTTTGAGTGCCTCA. VCF-style: chr11-108332822-GTCAGAAGT-AGGTCTCCTTTGAGTGCCTCA. GRCh37 (hg19) VCF-style: chr11-108203549-GTCAGAAGT-AGGTCTCCTTTGAGTGCCTCA.
Other names: c.7849_7857delGTCAGAAGTinsAGGTCTCCTTTGAGTGCCTCA, p.Val2617_Arg2618delinsArgSerProLeuSerAla (NM_000051.3); c.7849_7857delinsAGGTCTCCTTTGAGTGCCTCA, p.Val2617_Arg2618delinsArgSerProLeuSerAla (NM_001351834.2); c.641-23759_641-23751delinsTGAGGCACTCAAAGGAGACCT (NM_001330368.2); c.*38+2390_*38+2398delinsTGAGGCACTCAAAGGAGACCT (NM_001351110.2).
Identifiers: ClinVar variation 927936 (VCV000927936.5), dbSNP rs2086415356, ClinGen allele CA913188510.